The following is an entry in ClinVar:

NM_001009944.3(PKD1):c.10304G>A (p.Arg3435Gln)

Gene: PKD1 (polycystin 1, transient receptor potential channel interacting; minus strand). Cytogenetic location: 16p13.3.
Variant type: single nucleotide variant.
Coding change: c.10304G>A on transcript NM_001009944.3 (MANE Select); coding-DNA position 10304, G replaced by A.
Protein change: p.Arg3435Gln; replaces arginine 3435 with glutamine.
Molecular consequence: missense variant.
Genome position (GRCh38, 1-based): chr16:2,097,420, C>T on the plus strand (G>A on the coding strand, the complement: PKD1 is on the minus strand). VCF-style: chr16-2097420-C-T. GRCh37 (hg19) VCF-style: chr16-2147421-C-T.
Other names: c.10301G>A, p.Arg3434Gln (NM_000296.4); short protein forms R3435Q, R3434Q.
Identifiers: ClinVar variation 256888 (VCV000256888.41), dbSNP rs140189010, ClinGen allele CA7829664.

ClinVar aggregate classification (germline): Likely benign. Review status: criteria provided, multiple submitters, no conflicts (2 of 4 stars). 10 submissions from 10 submitters: Likely benign (8). 2 of the submissions do not count toward it. Last evaluated 2025-10-01.

Conditions:
PKD1-related disorder. Also called: PKD1-related condition.
Polycystic kidney disease, adult type (PKD1). Also called: POLYCYSTIC KIDNEY DISEASE 1 WITH OR WITHOUT POLYCYSTIC LIVER DISEASE; Polycystic Kidney Disease 1, Autosomal Dominant; Polycystic kidney disease 1; Polycystic kidney disease 1, severe; Polycystic Kidney, Autosomal Dominant; POLYCYSTIC KIDNEY DISEASE, ADULT, TYPE I. Identifiers: MedGen C3149841, MONDO:0008263, OMIM 173900.
Polycystic kidney disease. Also called: Kidney, Polycystic; Polycystic kidney dysplasia. Identifiers: MedGen C0022680, MeSH D007690, MONDO:0020642, HP:0000113.

Allele frequency attached by ClinVar (database versions not stated): gnomAD exomes 0.00242 and 0.00543; TOPMed 0.00308; gnomAD 0.00313 and 0.00328; ESP Exome Variant Server 0.00494; 1000 Genomes Project 0.00020; 1000 Genomes Project 30x 0.00047; ExAC 0.00233.
gnomAD v4.1: 8,238 of 1,608,934 alleles (0.51%); highest among the groups gnomAD compares: Non-Finnish European, 0.67%; 30 homozygotes.

Submissions (10):

CeGaT Center for Human Genetics Tuebingen
Classification: Likely benign. Last evaluated: 2025-10-01. Review status: criteria provided, single submitter. Criteria: CeGaT Center For Human Genetics Tuebingen Variant Classification Criteria Version 2. Collection method: clinical testing. Allele origin: germline. Affected: yes. Observed: 7 variant alleles.
Comment: PKD1: BP4, BS2

Women's Health and Genetics/Laboratory Corporation of America, LabCorp
Classification: Likely benign. Last evaluated: 2025-05-02. Review status: criteria provided, single submitter. Criteria: LabCorp Variant Classification Summary - May 2015. Collection method: clinical testing. Allele origin: germline.
Comment: Variant summary: PKD1 c.10304G>A (p.Arg3435Gln) results in a conservative amino acid change in the encoded protein sequence. Four of four in-silico tools predict a benign effect of the variant on protein function. The variant allele was found at a frequency of 0.0024 in 244014 control chromosomes, predominantly at a frequency of 0.0047 within the Non-Finnish European subpopulation in the gnomAD database. The observed variant frequency within Non-Finnish European control individuals in the gnomAD database exceeds the estimated maximal expected allele frequency for a pathogenic variant in PKD1 causing PKD1-Biallelic Autosomal Recessive Polycystic Kidney Disease phenotype. To our knowledge, no experimental evidence demonstrating its impact on protein function has been reported. ClinVar contains an entry for this variant (Variation ID: 256888). Based on the evidence outlined above, the variant was classified as likely benign.

Blueprint Genetics
Classification: Likely benign. Last evaluated: 2024-11-13. Review status: criteria provided, single submitter. Criteria: ACMG Guidelines, 2015. Collection method: clinical testing. Allele origin: germline.

Fulgent Genetics
Classification: Likely benign for Polycystic kidney disease, adult type. Last evaluated: 2021-12-17. Review status: criteria provided, single submitter. Criteria: ACMG Guidelines, 2015. Collection method: clinical testing. Allele origin: unknown.

GeneDx
Classification: Likely benign. Last evaluated: 2020-10-16. Review status: criteria provided, single submitter. Criteria: GeneDx Variant Classification Process June 2021. Collection method: clinical testing. Allele origin: germline. Affected: yes.
Comment: This variant is associated with the following publications: (PMID: 27567292)

ARUP Laboratories, Molecular Genetics and Genomics, ARUP Laboratories
Classification: Likely benign for Polycystic kidney disease, adult type. Last evaluated: 2019-05-01. Review status: criteria provided, single submitter. Criteria: ARUP Molecular Germline Variant Investigation Process. Collection method: clinical testing. Allele origin: germline.

Center for Pediatric Genomic Medicine, Children's Mercy Hospital and Clinics
Classification: Likely benign. Last evaluated: 2016-12-05. Review status: criteria provided, single submitter. Criteria: ACMG Guidelines, 2015. Collection method: clinical testing. Allele origin: germline.
ClinVar note: Converted during submission from Likely Benign to Likely benign.

Breakthrough Genomics
Classification: Likely benign. Review status: criteria provided, single submitter. Criteria: ACMG Guidelines, 2015. Collection method: not provided. Allele origin: germline. Inheritance: Autosomal dominant inheritance. Affected: yes.

PreventionGenetics, part of Exact Sciences
Classification: Benign for PKD1-related condition. Last evaluated: 2020-09-03. Review status: no assertion criteria provided. Collection method: clinical testing. Allele origin: germline. Not counted in ClinVar's aggregate classification.
Comment: This variant is classified as benign based on ACMG/AMP sequence variant interpretation guidelines (Richards et al. 2015 PMID: 25741868, with internal and published modifications).

Department of Pathology and Laboratory Medicine, Sinai Health System
Classification: Likely benign for Polycystic Kidney disease. Review status: no assertion criteria provided. Collection method: clinical testing. Allele origin: unknown. Affected: yes. Study: The Canadian Open Genetics Repository (COGR). Not counted in ClinVar's aggregate classification.
Comment: The PKD1 p.Arg3435Gln variant was identified in 6 of 460 proband chromosomes (frequency: 0.01) from individuals with autosomal dominant polycystic kidney disease (Rossetti 2012). The variant was also identified in dbSNP (rs140189010) as â€šÃ„Ãºwith likely benign alleleâ€šÃ„Ã¹, ClinVar (interpreted as "likely benign" by PreventionGenetics and 1 other submitter), LOVD 3.0 and ADPKD Mutation Database. The variant was not identified in PKD1-LOVD. The variant was identified in control databases in 693 of 271,186 chromosomes at a frequency of 0.003, increasing the likelihood this could be a low frequency benign variant (Genome Aggregation Database Feb 27, 2017). The variant was observed in the following populations: African in 25 of 23,576 chromosomes (freq: 0.001), Other in 11 of 6390 chromosomes (freq: 0.002), Latino in 19 of 34,358 chromosomes (freq: 0.0005), European in 609 of 124,992 chromosomes (freq: 0.005), Ashkenazi Jewish in 2 of 10,044 chromosomes (freq: 0.0002), Finnish in 26 of 22,306 chromosomes (freq: 0.001) and South Asian in 1 of 30,740 chromosomes (freq: 0.00003); it was not observed in the East Asian population. The p.Arg3435 residue is not conserved in mammals and computational analyses (PolyPhen-2, SIFT, AlignGVGD, BLOSUM, MutationTaster) do not suggest a high likelihood of impact to the protein; however, this information is not predictive enough to rule out pathogenicity. The variant occurs outside of the splicing consensus sequence and in silico or computational prediction software programs (SpliceSiteFinder, MaxEntScan, NNSPLICE, GeneSplicer) do not predict a difference in splicing. In summary, based on the above information, the clinical significance of this variant cannot be determined with certainty at this time although we would lean towards a more benign role for this variant. This variant is classified as likely benign.